The following is an entry in ClinVar:

NM_014795.4(ZEB2):c.916+6T>C

Gene: ZEB2 (zinc finger E-box binding homeobox 2; minus strand). Cytogenetic location: 2q22.3.
Variant type: single nucleotide variant.
Coding change: c.916+6T>C on transcript NM_014795.4 (MANE Select); 6 bases into the intron after coding-DNA position 916, T replaced by C.
Molecular consequence: intron variant.
Genome position (GRCh38, 1-based): chr2:144,401,193, A>G on the plus strand (T>C on the coding strand, the complement: ZEB2 is on the minus strand). VCF-style: chr2-144401193-A-G. GRCh37 (hg19) VCF-style: chr2-145158760-A-G.
Other names: c.844+6T>C (NM_001171653.2).
Identifiers: ClinVar variation 4716362 (VCV004716362.1).
Genomic context (GRCh38, chr2:144,401,193, plus strand): 5'-CAATCTTTTAAAACTCCCCTAATTAAGTAAAATGCAAATGCGAGCTCCAGCACCTCTGCT[A>G]CTCACCACTGTGAATTCGCAGGTGTTCTTTCAGATGGTGTTTATATTTGAAGGCCTTGCC-3'

ClinVar aggregate classification (germline): Uncertain significance (1 of 4 stars; one submission).

Conditions:
Mowat-Wilson syndrome (MOWS). Also called: Classic Mowat-Wilson Syndrome. Identifiers: Orphanet 2152, MedGen C1856113, MONDO:0009341, OMIM 235730.

Submission:

Labcorp Genetics (formerly Invitae), Labcorp
Classification: Uncertain significance for Mowat-Wilson syndrome. Last evaluated: 2025-04-04. Review status: criteria provided, single submitter. Criteria: Invitae Variant Classification Sherloc (09022015). Collection method: clinical testing. Allele origin: germline.
Comment: This sequence change falls in intron 7 of the ZEB2 gene. It does not directly change the encoded amino acid sequence of the ZEB2 protein. It affects a nucleotide within the consensus splice site. This variant is not present in population databases (gnomAD no frequency). This variant has not been reported in the literature in individuals affected with ZEB2-related conditions. Variants that disrupt the consensus splice site are a relatively common cause of aberrant splicing (PMID: 17576681, 9536098). Algorithms developed to predict the effect of sequence changes on RNA splicing suggest that this variant may disrupt the consensus splice site. In summary, the available evidence is currently insufficient to determine the role of this variant in disease. Therefore, it has been classified as a Variant of Uncertain Significance.

Literature cited by the submitters: PubMed 17576681; PubMed 9536098.